The following is an entry in ClinVar:

NM_033380.3(COL4A5):c.4376dup (p.Gly1460fs)

Gene: COL4A5 (collagen type IV alpha 5 chain; plus strand). Cytogenetic location: Xq22.3.
Variant type: Duplication.
Coding change: c.4376dup on transcript NM_033380.3 (MANE Select); coding-DNA position 4376, one base duplicated (C; older notation c.4376dupC).
Protein change: p.Gly1460fs; shifts the reading frame from glycine 1460.
Molecular consequence: frameshift variant.
Genome position (GRCh38, 1-based): chrX:108,687,542, C duplicated; the last of 5 consecutive C bases (chrX:108,687,538-108,687,542); duplicating any one gives the same sequence. VCF-style (leftmost placement, unchanged base first): chrX-108687537-T-TC. GRCh37 (hg19) VCF-style: chrX-107930767-T-TC.
Other names: c.4358dup, p.Gly1454fs (NM_000495.5); short protein forms G1454fs, G1460fs.
Identifiers: ClinVar variation 988186 (VCV000988186.1), dbSNP rs2068571470, ClinGen allele CA2450719251.

ClinVar aggregate classification (germline): Pathogenic (0 of 4 stars; one submission).

Conditions:
Alport syndrome. Also called: Hemorrhagic familial nephritis; Hemorrhagic hereditary nephritis; Congenital hereditary hematuria. Identifiers: Orphanet 63, MedGen C1567741, MONDO:0018965.

Submission:

Sydney Genome Diagnostics, Children's Hospital Westmead
Classification: Pathogenic for Alport syndrome. Last evaluated: 2018-10-24. Review status: no assertion criteria provided. Collection method: clinical testing. Allele origin: unknown. Affected: yes. Observed: 1 variant allele, 1 hemizygote.
Comment: This frameshifting variant is predicted to create a premature stop codon downstream p.(Gly1454Trpfs*32), and may result in a null allele due to nonsense-mediated mRNA decay. To our knowledge, this variant has not been previously reported. However, other nonsense mutations downstream have been described in the COL4A5 Alport Syndrome database suggesting that the variant is likely to be pathogenic.